The following is an entry in ClinVar:

ClinVar aggregate classification (germline): Uncertain significance (0 of 4 stars; one submission).

Conditions:
IGSF10-related disorder. Also called: IGSF10-related condition.

Submission:

PreventionGenetics, part of Exact Sciences
Classification: Uncertain significance for IGSF10-related condition. Last evaluated: 2023-11-22. Review status: no assertion criteria provided. Collection method: clinical testing. Allele origin: germline.
Comment: The IGSF10 c.6215G>A variant is predicted to result in premature protein termination (p.Trp2072*). To our knowledge, this variant has not been reported in the literature or in a large population database, indicating this variant is rare. Loss of function is not an established mechanism of IGSF10-related disease. At this time, the clinical significance of this variant is uncertain due to the absence of conclusive functional and genetic evidence.

NM_178822.5(IGSF10):c.6215G>A (p.Trp2072Ter)

Gene: IGSF10 (immunoglobulin superfamily member 10; minus strand). Cytogenetic location: 3q25.1.
Variant type: single nucleotide variant.
Coding change: c.6215G>A on transcript NM_178822.5 (MANE Select); coding-DNA position 6215, G replaced by A.
Protein change: p.Trp2072Ter; replaces tryptophan 2072 with a stop codon.
Molecular consequence: nonsense.
Genome position (GRCh38, 1-based): chr3:151,438,346, C>T on the plus strand (G>A on the coding strand, the complement: IGSF10 is on the minus strand). VCF-style: chr3-151438346-C-T. GRCh37 (hg19) VCF-style: chr3-151156134-C-T.
Other names: c.152G>A, p.Trp51Ter (NM_001178145.3, NM_001178146.3); c.6215G>A, p.Trp2072Ter (NM_001385060.1, NM_001385061.1, NM_001385062.1 and 1 more transcripts); short protein forms W2072*, W51*.
Identifiers: ClinVar variation 3050007 (VCV003050007.2), dbSNP rs2474447267, ClinGen allele CA354991858.
Genomic context (GRCh38, chr3:151,438,346, plus strand): 5'-CTGTGGCCACTGTCATCGGCTTGCATTGCATTGTTGATCATGGTTCCATCAGGCAAACTC[C>T]AAGATATCTCTGGCACTGGGGAGCCGGAAGCTTTGCAATCTACTTGGAAATCTTTCCCAT-3'